The following is an entry in ClinVar:

NM_000038.6(APC):c.7540A>G (p.Thr2514Ala)

Gene: APC (APC regulator of Wnt signaling pathway; plus strand). Cytogenetic location: 5q22.2.
Variant type: single nucleotide variant.
Coding change: c.7540A>G on transcript NM_000038.6 (MANE Select); coding-DNA position 7540, A replaced by G.
Protein change: p.Thr2514Ala; replaces threonine 2514 with alanine.
Molecular consequence: missense variant.
Genome position (GRCh38, 1-based): chr5:112,843,134, A>G. VCF-style: chr5-112843134-A-G. GRCh37 (hg19) VCF-style: chr5-112178831-A-G.
Other names: c.7540A>G, p.Thr2514Ala (NM_001127510.3, NM_001354895.2); c.7486A>G, p.Thr2496Ala (NM_001127511.3); c.7594A>G, p.Thr2532Ala (NM_001354896.2); c.7570A>G, p.Thr2524Ala (NM_001354897.2); c.7465A>G, p.Thr2489Ala (NM_001354898.2); c.7456A>G, p.Thr2486Ala (NM_001354899.2); c.7417A>G, p.Thr2473Ala (NM_001354900.2); c.7363A>G, p.Thr2455Ala (NM_001354901.2); and 5 more; short protein forms T2496A, T2514A, T2354A, T2388A, T2486A, T2532A, T2231A, T2413A.
Identifiers: ClinVar variation 411403 (VCV000411403.27), dbSNP rs545125246, ClinGen allele CA048361.
Genomic context (GRCh38, chr5:112,843,134, plus strand): 5'-TCCACACATTCGTCTGTTCAGGCTGGTGGATGGCGAAAACTCCCACCTAATCTCAGTCCC[A>G]CTATAGAGTATAATGATGGAAGACCAGCAAAGCGCCATGATATTGCACGGTCTCATTCTG-3'
Protein context (NP_000029.2, residues 2504-2524): WRKLPPNLSP[Thr2514Ala]IEYNDGRPAK

ClinVar aggregate classification (germline): Conflicting classifications of pathogenicity. Review status: criteria provided, conflicting classifications (1 of 4 stars). 8 submissions from 8 submitters: Uncertain significance (6); Likely benign (2). Last evaluated 2025-10-13.

Conditions:
APC-related disorder. Also called: APC-related condition.
Hereditary cancer-predisposing syndrome. Also called: Neoplastic Syndromes, Hereditary; Tumor predisposition; Hereditary Cancer Syndrome; Hereditary neoplastic syndrome. Identifiers: Orphanet 140162, MedGen C0027672, MeSH D009386, MONDO:0015356.
Familial adenomatous polyposis 1 (FAP1). Also called: FAMILIAL ADENOMATOUS POLYPOSIS 1, ATTENUATED; POLYPOSIS, ADENOMATOUS INTESTINAL. Identifiers: MedGen C2713442, MONDO:0021056, OMIM 175100. Disease mechanism: loss of function.

Allele frequency attached by ClinVar (database versions not stated): gnomAD exomes below 0.00001 and 0.00002; ExAC 0.00002; TOPMed 0.00002; gnomAD 0.00004; 1000 Genomes Project 30x 0.00016; 1000 Genomes Project 0.00020.
gnomAD v4.1: 9 of 1,613,986 alleles (0.00056%); highest among the groups gnomAD compares: African/African-American, 0.011%; no homozygotes.

Submissions (8):

PreventionGenetics, part of Exact Sciences
Classification: Uncertain significance for APC-related condition. Last evaluated: 2025-10-13. Review status: criteria provided, single submitter. Criteria: ACMG Guidelines, 2015. Collection method: clinical testing. Allele origin: germline.
Comment: The APC c.7540A>G variant is predicted to result in the amino acid substitution p.Thr2514Ala. This variant has been reported in an individual with breast cancer (eTable 3, George et al. 2021. PubMed ID: 33646313). This variant is reported in 0.024% of alleles in individuals of African descent in gnomAD and is interpreted as a variant of uncertain significance by the majority of submitters in ClinVar (Variation ID: 411403). At this time, the clinical significance of this variant is uncertain due to the absence of conclusive functional and genetic evidence.

Labcorp Genetics (formerly Invitae), Labcorp
Classification: Uncertain significance for Familial adenomatous polyposis 1. Last evaluated: 2025-10-07. Review status: criteria provided, single submitter. Criteria: Invitae Variant Classification Sherloc (09022015). Collection method: clinical testing. Allele origin: germline.
Comment: This sequence change replaces threonine, which is neutral and polar, with alanine, which is neutral and non-polar, at codon 2514 of the APC protein (p.Thr2514Ala). This variant is present in population databases (rs545125246, gnomAD 0.02%). This missense change has been observed in individual(s) with breast and/or ovarian cancer (PMID: 33646313). ClinVar contains an entry for this variant (Variation ID: 411403). Invitae Evidence Modeling of protein sequence and biophysical properties (such as structural, functional, and spatial information, amino acid conservation, physicochemical variation, residue mobility, and thermodynamic stability) indicates that this missense variant is not expected to disrupt APC protein function with a negative predictive value of 95%. In summary, the available evidence is currently insufficient to determine the role of this variant in disease. Therefore, it has been classified as a Variant of Uncertain Significance.

Color Diagnostics, LLC DBA Color Health
Classification: Likely benign for Hereditary cancer-predisposing syndrome. Last evaluated: 2025-08-19. Review status: criteria provided, single submitter. Criteria: ACMG Guidelines, 2015. Collection method: clinical testing. Allele origin: germline.

GeneDx
Classification: Uncertain significance. Last evaluated: 2024-06-10. Review status: criteria provided, single submitter. Criteria: GeneDx Variant Classification Process June 2021. Collection method: clinical testing. Allele origin: germline. Affected: yes.
Comment: In silico analysis indicates that this missense variant does not alter protein structure/function; Observed in an individual with breast cancer (PMID: 33646313); This variant is associated with the following publications: (PMID: 33646313)

Baylor Genetics
Classification: Uncertain significance for Familial adenomatous polyposis 1. Last evaluated: 2023-12-05. Review status: criteria provided, single submitter. Criteria: ACMG Guidelines, 2015. Collection method: clinical testing. Allele origin: unknown.

Ambry Genetics
Classification: Likely benign for Hereditary cancer-predisposing syndrome. Last evaluated: 2023-03-28. Review status: criteria provided, single submitter. Criteria: Ambry Variant Classification Scheme 2023. Collection method: clinical testing. Allele origin: germline.

Women's Health and Genetics/Laboratory Corporation of America, LabCorp
Classification: Uncertain significance. Last evaluated: 2021-10-15. Review status: criteria provided, single submitter. Criteria: LabCorp Variant Classification Summary - May 2015. Collection method: clinical testing. Allele origin: germline.
Comment: Variant summary: APC c.7540A>G (p.Thr2514Ala) results in a non-conservative amino acid change located in the Adenomatous polyposis coli protein basic domain (IPR009234) of the encoded protein sequence. Four of five in-silico tools predict a benign effect of the variant on protein function. The variant allele was found at a frequency of 1.6e-05 in 251098 control chromosomes (gnomAD). The available data on variant occurrences in the general population are insufficient to allow any conclusion about variant significance. To our knowledge c.7540A>G has not been reported in the literature in individuals affected with Familial Adenomatous Polyposis. At least one individual affected with breast cancer has been identifeid with this variant (George_2021). To our knowledge, no experimental evidence demonstrating an impact on protein function has been reported. Two clinical diagnostic laboratories have submitted clinical-significance assessments for this variant to ClinVar after 2014 without evidence for independent evaluation. Both laboratories classified the variant as uncertain significance. Based on the evidence outlined above, the variant was classified as uncertain significance.

Quest Diagnostics Nichols Institute San Juan Capistrano
Classification: Uncertain significance. Last evaluated: 2020-09-23. Review status: criteria provided, single submitter. Criteria: Quest Diagnostics criteria. Collection method: clinical testing. Allele origin: unknown.

Literature cited by the submitters: PubMed 33646313 (cited by 3 submitters).